The following is an entry in ClinVar:

ClinVar aggregate classification (germline): Uncertain significance (1 of 4 stars; one submission).

Submission:

Labcorp Genetics (formerly Invitae), Labcorp
Classification: Uncertain significance. Last evaluated: 2023-07-10. Review status: criteria provided, single submitter. Criteria: Invitae Variant Classification Sherloc (09022015). Collection method: clinical testing. Allele origin: germline.
Comment: In summary, the available evidence is currently insufficient to determine the role of this variant in disease. Therefore, it has been classified as a Variant of Uncertain Significance. Advanced modeling of protein sequence and biophysical properties (such as structural, functional, and spatial information, amino acid conservation, physicochemical variation, residue mobility, and thermodynamic stability) performed at Invitae indicates that this missense variant is not expected to disrupt DSG1 protein function. This variant has not been reported in the literature in individuals affected with DSG1-related conditions. This variant is not present in population databases (gnomAD no frequency). This sequence change replaces alanine, which is neutral and non-polar, with proline, which is neutral and non-polar, at codon 536 of the DSG1 protein (p.Ala536Pro).

NM_001942.4(DSG1):c.1606G>C (p.Ala536Pro)

Gene: DSG1 (desmoglein 1; plus strand). Cytogenetic location: 18q12.1.
Variant type: single nucleotide variant.
Coding change: c.1606G>C on transcript NM_001942.4 (MANE Select); coding-DNA position 1606, G replaced by C.
Protein change: p.Ala536Pro; replaces alanine 536 with proline.
Molecular consequence: missense variant.
Genome position (GRCh38, 1-based): chr18:31,339,944, G>C. VCF-style: chr18-31339944-G-C. GRCh37 (hg19) VCF-style: chr18-28919907-G-C.
Other names: short protein forms A536P.
Identifiers: ClinVar variation 2741299 (VCV002741299.3), dbSNP rs2510836368, ClinGen allele CA402138295.